The following is an entry in ClinVar:

NM_002474.3(MYH11):c.2546G>A (p.Arg849Gln)

Gene: MYH11 (myosin heavy chain 11; minus strand). Cytogenetic location: 16p13.11.
Variant type: single nucleotide variant.
Coding change: c.2546G>A on transcript NM_002474.3 (MANE Select); coding-DNA position 2546, G replaced by A.
Protein change: p.Arg849Gln; replaces arginine 849 with glutamine.
Molecular consequence: missense variant.
Genome position (GRCh38, 1-based): chr16:15,741,866, C>T on the plus strand (G>A on the coding strand, the complement: MYH11 is on the minus strand). VCF-style: chr16-15741866-C-T. GRCh37 (hg19) VCF-style: chr16-15835723-C-T.
Other names: c.2546G>A (NM_002474.2); c.2567G>A, p.Arg856Gln (NM_001040113.2, NM_001040114.2); c.2546G>A, p.Arg849Gln (NM_022844.3); short protein forms R849Q, R856Q.
Identifiers: ClinVar variation 3611774 (VCV003611774.3).
Genomic context (GRCh38, chr16:15,741,866, plus strand): 5'-TGCTGCCGCTCCTTGGTCTTCTGCAGTTCATCCTCCTTGGCCTGCATCTCCTCCTCCTGC[C>T]GTGTCACCTGCAGCAGTGGCTTCACCTGCACACACACGGTTAGCCCATCATTTGTTTTTG-3'
Protein context (NP_002465.1, residues 839-859): TKVKPLLQVT[Arg849Gln]QEEEMQAKED

ClinVar aggregate classification (germline): Uncertain significance. Review status: criteria provided, multiple submitters, no conflicts (2 of 4 stars). 2 submissions from 2 submitters: Uncertain significance (2). Last evaluated 2026-08-08.

Conditions:
Familial thoracic aortic aneurysm and aortic dissection (TAAD). Also called: Thoracic aortic aneurysms and dissections. Identifiers: Orphanet 91387, MedGen C4707243, MONDO:0019625.
Aortic aneurysm, familial thoracic 4 (AAT4). Also called: AORTIC ANEURYSM/AORTIC DISSECTION AND PATENT DUCTUS ARTERIOSUS. Identifiers: MedGen C1851504, MONDO:0007568, OMIM 132900.

gnomAD v4.1: 3 of 1,614,204 alleles (0.00019%); highest among the groups gnomAD compares: Non-Finnish European, 0.00017%; no homozygotes.

Submissions (2):

Ambry Genetics
Classification: Uncertain significance for Familial thoracic aortic aneurysm and aortic dissection. Last evaluated: 2026-08-08. Review status: criteria provided, single submitter. Criteria: Ambry Variant Classification Scheme 2023. Collection method: clinical testing. Allele origin: germline.
Comment: The p.R849Q variant (also known as c.2546G>A), located in coding exon 20 of the MYH11 gene, results from a G to A substitution at nucleotide position 2546. The arginine at codon 849 is replaced by glutamine, an amino acid with highly similar properties. This amino acid position is conserved. In addition, the in silico prediction for this alteration is inconclusive. Based on the available evidence, the clinical significance of this variant remains unclear.

Labcorp Genetics (formerly Invitae), Labcorp
Classification: Uncertain significance for Aortic aneurysm, familial thoracic 4. Last evaluated: 2025-05-26. Review status: criteria provided, single submitter. Criteria: Invitae Variant Classification Sherloc (09022015). Collection method: clinical testing. Allele origin: germline.
Comment: This sequence change replaces arginine, which is basic and polar, with glutamine, which is neutral and polar, at codon 856 of the MYH11 protein (p.Arg856Gln). This variant is present in population databases (rs370512756, gnomAD 0.0009%). This variant has not been reported in the literature in individuals affected with MYH11-related conditions. ClinVar contains an entry for this variant (Variation ID: 3611774). Invitae Evidence Modeling of protein sequence and biophysical properties (such as structural, functional, and spatial information, amino acid conservation, physicochemical variation, residue mobility, and thermodynamic stability) indicates that this missense variant is not expected to disrupt MYH11 protein function with a negative predictive value of 95%. In summary, the available evidence is currently insufficient to determine the role of this variant in disease. Therefore, it has been classified as a Variant of Uncertain Significance.